The following is an entry in ClinVar:

ClinVar aggregate classification (germline): Likely pathogenic (1 of 4 stars; one submission).

Submission:

GeneDx
Classification: Likely pathogenic. Last evaluated: 2024-03-18. Review status: criteria provided, single submitter. Criteria: GeneDx Variant Classification Process June 2021. Collection method: clinical testing. Allele origin: germline. Affected: yes.
Comment: Not observed at significant frequency in large population cohorts (gnomAD); In silico analysis supports that this missense variant has a deleterious effect on protein structure/function; Has not been previously published as pathogenic or benign to our knowledge

NM_022455.5(NSD1):c.5045T>C (p.Leu1682Pro)

Gene: NSD1 (nuclear receptor binding SET domain protein 1; plus strand). Cytogenetic location: 5q35.3.
Variant type: single nucleotide variant.
Coding change: c.5045T>C on transcript NM_022455.5 (MANE Select); coding-DNA position 5045, T replaced by C.
Protein change: p.Leu1682Pro; replaces leucine 1682 with proline.
Molecular consequence: missense variant.
Genome position (GRCh38, 1-based): chr5:177,260,067, T>C. VCF-style: chr5-177260067-T-C. GRCh37 (hg19) VCF-style: chr5-176687068-T-C.
Other names: c.4172T>C, p.Leu1391Pro (NM_001365684.2, NM_001409308.1, NM_001409309.1 and 1 more transcripts); c.5045T>C, p.Leu1682Pro (NM_001409301.1, NM_001409302.1, NM_001409303.1); c.4625T>C, p.Leu1542Pro (NM_001409304.1); c.4292T>C, p.Leu1431Pro (NM_001409305.1); c.4283T>C, p.Leu1428Pro (NM_001409306.1, NM_001409307.1); short protein forms L1391P, L1428P, L1431P, L1542P, L1682P.
Identifiers: ClinVar variation 3343841 (VCV003343841.1).